The following is an entry in ClinVar:

ClinVar aggregate classification (germline): Uncertain significance (1 of 4 stars; one submission).

gnomAD v4.1: 1 of 1,613,880 alleles (0.000062%); highest among the groups gnomAD compares: Non-Finnish European, 0.000085%; no homozygotes.

Submission:

Women's Health and Genetics/Laboratory Corporation of America, LabCorp
Classification: Uncertain significance. Last evaluated: 2025-03-24. Review status: criteria provided, single submitter. Criteria: LabCorp Variant Classification Summary - May 2015. Collection method: clinical testing. Allele origin: germline.
Comment: Variant summary: VWF c.3904G>A (p.Asp1302Asn) results in a conservative amino acid change in the encoded protein sequence. Four of five in-silico tools predict a benign effect of the variant on protein function. The variant allele was found at a frequency of 6.2e-07 in 1606890 control chromosomes (gnomAD v4.1). The available data on variant occurrences in the general population are insufficient to allow any conclusion about variant significance. To our knowledge, no occurrence of c.3904G>A in individuals affected with Von Willebrand Disease and no experimental evidence demonstrating its impact on protein function have been reported. No submitters have cited clinical-significance assessments for this variant to ClinVar. Based on the evidence outlined above, the variant was classified as uncertain significance.

NM_000552.5(VWF):c.3904G>A (p.Asp1302Asn)

Gene: VWF (von Willebrand factor; minus strand). Cytogenetic location: 12p13.31.
Variant type: single nucleotide variant.
Coding change: c.3904G>A on transcript NM_000552.5 (MANE Select); coding-DNA position 3904, G replaced by A.
Protein change: p.Asp1302Asn; replaces aspartic acid 1302 with asparagine.
Molecular consequence: missense variant.
Genome position (GRCh38, 1-based): chr12:6,019,514, C>T on the plus strand (G>A on the coding strand, the complement: VWF is on the minus strand). VCF-style: chr12-6019514-C-T. GRCh37 (hg19) VCF-style: chr12-6128680-C-T.
Other names: short protein forms D1302N.
Identifiers: ClinVar variation 3895991 (VCV003895991.1).